The following is an entry in ClinVar:

ClinVar aggregate classification (germline): Conflicting classifications of pathogenicity. Review status: criteria provided, conflicting classifications (1 of 4 stars). 2 submissions from 2 submitters: Uncertain significance (1); Likely benign (1). Last evaluated 2026-09-11.

Conditions:
Familial hypobetalipoproteinemia 1. Also called: APOB-Related Familial Hypobetalipoproteinemia; Hypobetalipoproteinemia, normotriglyceridemic; Acanthocytosis with hypobetalipoproteinemia. Identifiers: MedGen C4551990, MONDO:0014252, OMIM 615558.
Hypercholesterolemia, autosomal dominant, type B (FHCL2). Also called: Familial Hypercholesterolemia Type B; APOLIPOPROTEIN B-100, FAMILIAL DEFECTIVE; APOLIPOPROTEIN B-100, FAMILIAL LIGAND-DEFECTIVE; HYPERCHOLESTEROLEMIA, FAMILIAL, DUE TO LIGAND-DEFECTIVE APOLIPOPROTEIN B; Hyperlipoproteinemia Type IIb; Familial hypercholesterolemia 2. Identifiers: MedGen C1704417, MONDO:0007751, OMIM 144010.
Cardiovascular phenotype. Identifiers: MedGen CN230736.

Allele frequency attached by ClinVar (database versions not stated): gnomAD 0.00001; gnomAD exomes 0.00001; TOPMed below 0.00001.
gnomAD v4.1: 12 of 1,613,858 alleles (0.00074%); highest among the groups gnomAD compares: Admixed American, 0.0017%; no homozygotes.

Submissions (2):

Ambry Genetics
Classification: Uncertain significance for Cardiovascular phenotype. Last evaluated: 2026-09-11. Review status: criteria provided, single submitter. Criteria: Ambry Variant Classification Scheme 2023. Collection method: clinical testing. Allele origin: germline.
Comment: The p.H4378R variant (also known as c.13133A>G), located in coding exon 29 of the APOB gene, results from an A to G substitution at nucleotide position 13133. The histidine at codon 4378 is replaced by arginine, an amino acid with highly similar properties. This amino acid position is conserved. In addition, this alteration is predicted to be tolerated by in silico analysis. Based on the available evidence, the clinical significance of this variant remains unclear.

Labcorp Genetics (formerly Invitae), Labcorp
Classification: Likely benign for Familial hypobetalipoproteinemia 1; Hypercholesterolemia, autosomal dominant, type B. Last evaluated: 2023-07-19. Review status: criteria provided, single submitter. Criteria: Invitae Variant Classification Sherloc (09022015). Collection method: clinical testing. Allele origin: germline.

NM_000384.3(APOB):c.13133A>G (p.His4378Arg)

Gene: APOB (apolipoprotein B; minus strand). Cytogenetic location: 2p24.1.
Variant type: single nucleotide variant.
Coding change: c.13133A>G on transcript NM_000384.3 (MANE Select); coding-DNA position 13133, A replaced by G.
Protein change: p.His4378Arg; replaces histidine 4378 with arginine.
Molecular consequence: missense variant.
Genome position (GRCh38, 1-based): chr2:21,002,289, T>C on the plus strand (A>G on the coding strand, the complement: APOB is on the minus strand). VCF-style: chr2-21002289-T-C. GRCh37 (hg19) VCF-style: chr2-21225161-T-C.
Other names: short protein forms H4378R.
Identifiers: ClinVar variation 2309298 (VCV002309298.6), dbSNP rs1459612614, ClinGen allele CA345969057.